The following is an entry in ClinVar:

NM_005431.2(XRCC2):c.733G>T (p.Asp245Tyr)

Gene: XRCC2 (X-ray repair cross complementing 2; minus strand). Cytogenetic location: 7q36.1.
Variant type: single nucleotide variant.
Coding change: c.733G>T on transcript NM_005431.2 (MANE Select); coding-DNA position 733, G replaced by T.
Protein change: p.Asp245Tyr; replaces aspartic acid 245 with tyrosine.
Molecular consequence: missense variant.
Genome position (GRCh38, 1-based): chr7:152,648,752, C>A on the plus strand (G>T on the coding strand, the complement: XRCC2 is on the minus strand). VCF-style: chr7-152648752-C-A. GRCh37 (hg19) VCF-style: chr7-152345837-C-A.
Other names: short protein forms D245Y.
Identifiers: ClinVar variation 826975 (VCV000826975.17), dbSNP rs914464501, ClinGen allele CA169486939.

ClinVar aggregate classification (germline): Uncertain significance. Review status: criteria provided, multiple submitters, no conflicts (2 of 4 stars). 3 submissions from 3 submitters: Uncertain significance (3). Last evaluated 2025-06-17.

Conditions:
Hereditary cancer-predisposing syndrome. Also called: Neoplastic Syndromes, Hereditary; Tumor predisposition; Hereditary neoplastic syndrome; Hereditary Cancer Syndrome. Identifiers: Orphanet 140162, MedGen C0027672, MeSH D009386, MONDO:0015356.

Allele frequency attached by ClinVar (database versions not stated): TOPMed below 0.00001; gnomAD exomes 0.00001.
gnomAD v4.1: 25 of 1,614,148 alleles (0.0015%); highest among the groups gnomAD compares: African/African-American, 0.024%; no homozygotes.

Submissions (3):

Ambry Genetics
Classification: Uncertain significance for Hereditary cancer-predisposing syndrome. Last evaluated: 2025-06-17. Review status: criteria provided, single submitter. Criteria: Ambry Variant Classification Scheme 2023. Collection method: clinical testing. Allele origin: germline.

Labcorp Genetics (formerly Invitae), Labcorp
Classification: Uncertain significance. Last evaluated: 2024-04-15. Review status: criteria provided, single submitter. Criteria: Invitae Variant Classification Sherloc (09022015). Collection method: clinical testing. Allele origin: germline.
Comment: This sequence change replaces aspartic acid, which is acidic and polar, with tyrosine, which is neutral and polar, at codon 245 of the XRCC2 protein (p.Asp245Tyr). The frequency data for this variant in the population databases is considered unreliable, as metrics indicate poor data quality at this position in the gnomAD database. This variant has not been reported in the literature in individuals affected with XRCC2-related conditions. ClinVar contains an entry for this variant (Variation ID: 826975). Advanced modeling of protein sequence and biophysical properties (such as structural, functional, and spatial information, amino acid conservation, physicochemical variation, residue mobility, and thermodynamic stability) performed at Invitae indicates that this missense variant is not expected to disrupt XRCC2 protein function with a negative predictive value of 80%. In summary, the available evidence is currently insufficient to determine the role of this variant in disease. Therefore, it has been classified as a Variant of Uncertain Significance.

Revvity Omics, Revvity
Classification: Uncertain significance. Last evaluated: 2022-08-18. Review status: criteria provided, single submitter. Criteria: ACMG Guidelines, 2015. Collection method: clinical testing. Allele origin: germline.